The following is an entry in ClinVar:

ClinVar aggregate classification (germline): Uncertain significance (1 of 4 stars; one submission).

Submission:

GeneDx
Classification: Uncertain significance. Last evaluated: 2025-04-14. Review status: criteria provided, single submitter. Criteria: GeneDx Variant Classification Process June 2021. Collection method: clinical testing. Allele origin: germline.
Comment: Not observed at significant frequency in large population cohorts (gnomAD); In silico analysis supports that this missense variant has a deleterious effect on protein structure/function; Has not been previously published as pathogenic or benign to our knowledge

NM_001375524.1(TRRAP):c.4346C>T (p.Thr1449Ile)

Gene: TRRAP (transformation/transcription domain associated protein; plus strand). Cytogenetic location: 7q22.1.
Variant type: single nucleotide variant.
Coding change: c.4346C>T on transcript NM_001375524.1 (MANE Select); coding-DNA position 4346, C replaced by T.
Protein change: p.Thr1449Ile; replaces threonine 1449 with isoleucine.
Molecular consequence: missense variant.
Genome position (GRCh38, 1-based): chr7:98,937,762, C>T. VCF-style: chr7-98937762-C-T. GRCh37 (hg19) VCF-style: chr7-98535385-C-T.
Other names: c.4346C>T, p.Thr1449Ile (NM_001244580.2, NM_003496.4); short protein forms T1449I.
Identifiers: ClinVar variation 3364287 (VCV003364287.2).